The following is an entry in ClinVar:

ClinVar aggregate classification (germline): Uncertain significance (1 of 4 stars; one submission).

Submission:

CeGaT Center for Human Genetics Tuebingen
Classification: Uncertain significance. Last evaluated: 2024-11-01. Review status: criteria provided, single submitter. Criteria: CeGaT Center For Human Genetics Tuebingen Variant Classification Criteria Version 2. Collection method: clinical testing. Allele origin: germline. Affected: yes. Observed: 1 variant allele.
Comment: KDM5C: PM2, PP3

NM_004187.5(KDM5C):c.2242C>T (p.Arg748Trp)

Gene: KDM5C (lysine demethylase 5C; minus strand). Cytogenetic location: Xp11.22.
Variant type: single nucleotide variant.
Coding change: c.2242C>T on transcript NM_004187.5 (MANE Select); coding-DNA position 2242, C replaced by T.
Protein change: p.Arg748Trp; replaces arginine 748 with tryptophan.
Molecular consequence: missense variant. On other transcripts: non-coding transcript variant (3).
Genome position (GRCh38, 1-based): chrX:53,198,978, G>A on the plus strand (C>T on the coding strand, the complement: KDM5C is on the minus strand). VCF-style: chrX-53198978-G-A. GRCh37 (hg19) VCF-style: chrX-53228160-G-A.
Other names: c.2041C>T, p.Arg681Trp (NM_001146702.2); c.2239C>T, p.Arg747Trp (NM_001282622.3, NM_001353979.2, NM_001353982.2); c.2242C>T, p.Arg748Trp (NM_001353978.3, NM_001353981.2, NM_001353984.2); short protein forms R681W, R747W, R748W.
Identifiers: ClinVar variation 3388987 (VCV003388987.14).